The following is an entry in ClinVar:

ClinVar aggregate classification (germline): Benign. Review status: criteria provided, multiple submitters, no conflicts (2 of 4 stars). 4 submissions from 3 submitters: Benign (4). Last evaluated 2021-05-11.

Conditions:
Stickler syndrome type 2 (STL2). Also called: STICKLER SYNDROME, TYPE II; STICKLER SYNDROME, BEADED VITREOUS TYPE; STICKLER SYNDROME, VITREOUS TYPE 2; COL11A1-Related Stickler Syndrome. Identifiers: Orphanet 828, Orphanet 90654, MedGen C1858084, MONDO:0011493, OMIM 604841.
Fibrochondrogenesis 1 (FBCG1). Identifiers: Orphanet 2021, MedGen C3278138, MONDO:0009226, OMIM 228520.

Allele frequency attached by ClinVar (database versions not stated): gnomAD 0.05550 and 0.05971; 1000 Genomes Project 0.05551; 1000 Genomes Project 30x 0.06059; TOPMed 0.06294.

Submissions (4):

GeneDx
Classification: Benign. Last evaluated: 2021-05-11. Review status: criteria provided, single submitter. Criteria: GeneDx Variant Classification (06012015). Collection method: clinical testing. Allele origin: germline. Affected: yes.

Illumina Laboratory Services, Illumina
Classification: Benign for Fibrochondrogenesis 1. Last evaluated: 2018-01-13. Review status: criteria provided, single submitter. Criteria: ICSL Variant Classification Criteria 13 December 2019. Collection method: clinical testing. Allele origin: germline.
Comment: This variant was observed in the ICSL laboratory as part of a predisposition screen in an ostensibly healthy population. It had not been previously curated by ICSL or reported in the Human Gene Mutation Database (HGMD: prior to June 1st, 2018), and was therefore a candidate for classification through an automated scoring system. Utilizing variant allele frequency, disease prevalence and penetrance estimates, and inheritance mode, an automated score was calculated to assess if this variant is too frequent to cause the disease. Based on the score and internal cut-off values, a variant classified as benign is not then subjected to further curation. The score for this variant resulted in a classification of benign for this disease.

Illumina Laboratory Services, Illumina
Classification: Benign for Stickler syndrome type 2. Last evaluated: 2018-01-13. Review status: criteria provided, single submitter. Criteria: ICSL Variant Classification Criteria 13 December 2019. Collection method: clinical testing. Allele origin: germline.
Comment: the same text as in the submission from Illumina Laboratory Services, Illumina above.

Breakthrough Genomics
Classification: Benign. Review status: criteria provided, single submitter. Criteria: ACMG Guidelines, 2015. Collection method: not provided. Allele origin: germline. Inheritance: Autosomal recessive inheritance. Affected: yes.

NM_001854.4(COL11A1):c.*1105C>T

Gene: COL11A1 (collagen type XI alpha 1 chain; minus strand). Cytogenetic location: 1p21.1.
Variant type: single nucleotide variant.
Coding change: c.*1105C>T on transcript NM_001854.4 (MANE Select); 1105 bases downstream of the stop codon, C replaced by T.
Molecular consequence: 3 prime UTR variant. On other transcripts: non-coding transcript variant (1).
Genome position (GRCh38, 1-based): chr1:102,876,914, G>A on the plus strand (C>T on the coding strand, the complement: COL11A1 is on the minus strand). VCF-style: chr1-102876914-G-A. GRCh37 (hg19) VCF-style: chr1-103342470-G-A.
Other names: c.*1105C>T (NM_001190709.2, NM_080629.3, NM_080630.4).
Identifiers: ClinVar variation 291478 (VCV000291478.7), dbSNP rs12073619, ClinGen allele CA10607208.